The following is an entry in ClinVar:

NM_005245.4(FAT1):c.6937G>C (p.Glu2313Gln)

Gene: FAT1 (FAT atypical cadherin 1; minus strand). Cytogenetic location: 4q35.2.
Variant type: single nucleotide variant.
Coding change: c.6937G>C on transcript NM_005245.4 (MANE Select); coding-DNA position 6937, G replaced by C.
Protein change: p.Glu2313Gln; replaces glutamic acid 2313 with glutamine.
Molecular consequence: missense variant.
Genome position (GRCh38, 1-based): chr4:186,619,649, C>G on the plus strand (G>C on the coding strand, the complement: FAT1 is on the minus strand). VCF-style: chr4-186619649-C-G. GRCh37 (hg19) VCF-style: chr4-187540803-C-G.
Other names: short protein forms E2313Q.
Identifiers: ClinVar variation 2636421 (VCV002636421.1), dbSNP rs2126507722, ClinGen allele CA358966776.

ClinVar aggregate classification (germline): Uncertain significance (1 of 4 stars; one submission).

Conditions:
FAT1-related disorder. Also called: FAT1-related condition.

Submission:

PreventionGenetics, part of Exact Sciences
Classification: Uncertain significance for FAT1-related condition. Last evaluated: 2022-08-18. Review status: criteria provided, single submitter. Criteria: ACMG Guidelines, 2015. Collection method: clinical testing. Allele origin: germline.
Comment: The FAT1 c.6937G>C variant is predicted to result in the amino acid substitution p.Glu2313Gln. To our knowledge, this variant has not been reported in the literature or in a large population database, indicating this variant is rare. At this time, the clinical significance of this variant is uncertain due to the absence of conclusive functional and genetic evidence.